The following is an entry in ClinVar:

NM_053025.4(MYLK):c.4451dup (p.Lys1485fs)

Gene: MYLK (myosin light chain kinase; minus strand). Cytogenetic location: 3q21.1.
Variant type: Duplication.
Coding change: c.4451dup on transcript NM_053025.4 (MANE Select); coding-DNA position 4451, one base duplicated (A; older notation c.4451dupA).
Protein change: p.Lys1485fs; shifts the reading frame from lysine 1485.
Molecular consequence: frameshift variant.
Genome position (GRCh38, 1-based): chr3:123,647,392, T duplicated on the plus strand (A on the coding strand, the reverse complement: MYLK is on the minus strand); the first of 4 consecutive T bases (chr3:123,647,392-123,647,395); duplicating any one gives the same sequence. VCF-style (leftmost placement, unchanged base first): chr3-123647391-C-CT. GRCh37 (hg19) VCF-style: chr3-123366238-C-CT.
Other names: c.3923dup, p.Lys1309fs (NM_001321309.2); c.4244dup, p.Lys1416fs (NM_053026.4, NM_053028.4); c.4451dup, p.Lys1485fs (NM_053027.4); short protein forms K1485fs, K1416fs, K1309fs.
Identifiers: ClinVar variation 4712438 (VCV004712438.1).

ClinVar aggregate classification (germline): Pathogenic (1 of 4 stars; one submission).

Conditions:
Aortic aneurysm, familial thoracic 7 (AAT7). Also called: AORTIC DISSECTION, FAMILIAL, WITH OR WITHOUT AORTIC ANEURYSM. Identifiers: MedGen C3151077, MONDO:0013418, OMIM 613780.

Submission:

Labcorp Genetics (formerly Invitae), Labcorp
Classification: Pathogenic for Aortic aneurysm, familial thoracic 7. Last evaluated: 2025-02-06. Review status: criteria provided, single submitter. Criteria: Invitae Variant Classification Sherloc (09022015). Collection method: clinical testing. Allele origin: germline.
Comment: This sequence change creates a premature translational stop signal (p.Lys1485Glufs*27) in the MYLK gene. It is expected to result in an absent or disrupted protein product. Loss-of-function variants in MYLK are known to be pathogenic (PMID: 21055718, 28602422). This variant is not present in population databases (gnomAD no frequency). This variant has not been reported in the literature in individuals affected with MYLK-related conditions. For these reasons, this variant has been classified as Pathogenic.

Literature cited by the submitters: PubMed 21055718; PubMed 28602422.